The following is an entry in ClinVar:

ClinVar aggregate classification (germline): Likely pathogenic (1 of 4 stars; one submission).

Conditions:
Cardiovascular phenotype. Identifiers: MedGen CN230736.

Submission:

Ambry Genetics
Classification: Likely pathogenic for Cardiovascular phenotype. Last evaluated: 2022-11-21. Review status: criteria provided, single submitter. Criteria: Ambry Variant Classification Scheme 2023. Collection method: clinical testing. Allele origin: germline.
Comment: The c.63526dupA variant, located in coding exon 162 of the TTN gene, results from a duplication of A at nucleotide position 63526, causing a translational frameshift with a predicted alternate stop codon (p.S21176Kfs*10). This exon is located in the A-band region of the N2-B isoform of the titin protein and is constitutively expressed in TTN transcripts (percent spliced in or PSI 100%). This variant is considered to be rare based on population cohorts in the Genome Aggregation Database (gnomAD). This alteration is expected to result in loss of function by premature protein truncation or nonsense-mediated mRNA decay. While truncating variants in TTN are present in 1-3% of the general population, truncating variants in the A-band are the most common cause of dilated cardiomyopathy (DCM) (Herman DS et al. N. Engl. J. Med., 2012 Feb;366:619-28; Roberts AM et al. Sci Transl Med, 2015 Jan;7:270ra6). TTN truncating variants encoded in constitutive exons (PSI >90%) have been found to be significantly associated with DCM regardless of their position in titin (Schafer S et al. Nat. Genet., 2017 01;49:46-53). Based on the majority of available evidence to date, this variant is likely to be pathogenic.

NM_001267550.2(TTN):c.90721dup (p.Ser30241fs)

Genes: TTN (titin; minus strand), TTN-AS1 (TTN antisense RNA 1; plus strand). Cytogenetic location: 2q31.2.
Variant type: Duplication.
Coding change: c.90721dup on transcript NM_001267550.2 (MANE Select); coding-DNA position 90721, one base duplicated (A; older notation c.90721dupA).
Protein change: p.Ser30241fs; shifts the reading frame from serine 30241.
Molecular consequence: frameshift variant.
Genome position (GRCh38, 1-based): chr2:178,552,179, T duplicated on the plus strand (A on the coding strand, the reverse complement: TTN is on the minus strand). VCF-style (leftmost placement, unchanged base first): chr2-178552178-C-CT. GRCh37 (hg19) VCF-style: chr2-179416905-C-CT.
Other names: c.85798dup, p.Ser28600fs (NM_001256850.1); c.63526dup, p.Ser21176fs (NM_003319.4); c.83017dup, p.Ser27673fs (NM_133378.4); c.63901dup, p.Ser21301fs (NM_133432.3); c.64102dup, p.Ser21368fs (NM_133437.4); c.63526dupA (NM_003319.4); short protein forms S21176fs, S30241fs, S28600fs, S21301fs, S21368fs, S27673fs.
Identifiers: ClinVar variation 2451852 (VCV002451852.2), dbSNP rs2469280642, ClinGen allele CA2580064576.